The following is an entry in ClinVar:

ClinVar aggregate classification (germline): Uncertain significance (0 of 4 stars; one submission).

Conditions:
EP300-related disorder. Also called: EP300-related condition; EP300-related disorders.

Submission:

PreventionGenetics, part of Exact Sciences
Classification: Uncertain significance for EP300-related condition. Last evaluated: 2024-01-11. Review status: no assertion criteria provided. Collection method: clinical testing. Allele origin: germline.
Comment: The EP300 c.3860A>C variant is predicted to result in the amino acid substitution p.Lys1287Thr. To our knowledge, this variant has not been reported in the literature or in a large population database, indicating this variant is rare. At this time, the clinical significance of this variant is uncertain due to the absence of conclusive functional and genetic evidence.

NM_001429.4(EP300):c.3860A>C (p.Lys1287Thr)

Gene: EP300 (E1A binding protein p300; plus strand). Cytogenetic location: 22q13.2.
Variant type: single nucleotide variant.
Coding change: c.3860A>C on transcript NM_001429.4 (MANE Select); coding-DNA position 3860, A replaced by C.
Protein change: p.Lys1287Thr; replaces lysine 1287 with threonine.
Molecular consequence: missense variant.
Genome position (GRCh38, 1-based): chr22:41,166,652, A>C. VCF-style: chr22-41166652-A-C. GRCh37 (hg19) VCF-style: chr22-41562656-A-C.
Other names: c.3782A>C, p.Lys1261Thr (NM_001362843.2); short protein forms K1261T, K1287T.
Identifiers: ClinVar variation 3349099 (VCV003349099.1).